The following is an entry in ClinVar:

ClinVar aggregate classification (somatic clinical impact): Tier I - Strong (1 of 4 stars; one submission).

Conditions:
Embryonal rhabdomyosarcoma (ERMS). Also called: Botryoid rhabdomyosarcoma (type of ERMS); Spindle cell rhabdomyosarcomas (type of ERMS). Identifiers: Orphanet 99757, MedGen C0206656, MONDO:0009993, HP:0006743.

Submission:

Institute for Genomic Medicine (IGM) Clinical Laboratory, Nationwide Children's Hospital
Classification: Tier I - Strong for Embryonal rhabdomyosarcoma. Assertion type: diagnostic. Clinical significance: supports diagnosis. Last evaluated: 2023-12-22. Review status: criteria provided, single submitter. Criteria: AMP/ASCO/CAP Guidelines, 2017. Collection method: clinical testing. Allele origin: somatic. Affected: yes.
Comment: Variant has Tier I (strong) clinical significance as a diagnostic inclusion criterion in embryonal rhabdomyosarcoma, based on the following evidence: 1) Documented in one or more cancer databases (e.g., St. Jude Pecan, COSMIC, CIViC, OncoKB). 2) Appears in one or more well-established professional guidelines (e.g., World Health Organization [WHO]; National Comprehensive Cancer Network [NCCN]) as providing diagnostic, prognostic, or therapeutic information. 3) Diagnostic for a specific tumor type/classification based on well-powered studies with expert-level consensus (Evidence Level B; PMIDs: 34166060, 24436047, 24332040, 22142829).

Literature cited by the submitters: PubMed 34166060; PubMed 24436047; PubMed 24332040; PubMed 22142829.

NM_001904.4(CTNNB1):c.111_116del (p.Gly38_Ala39del)

Genes: CTNNB1 (catenin beta 1; plus strand), LOC126806658 (BRD4-independent group 4 enhancer GRCh37_chr3:41265899-41267098; plus strand). Cytogenetic location: 3p22.1.
Variant type: Deletion.
Coding change: c.111_116del on transcript NM_001904.4 (MANE Select); coding-DNA positions 111 to 116, 6 bases deleted (TGGTGC; older notation c.111_116delTGGTGC).
Protein change: p.Gly38_Ala39del.
Genome position (GRCh38, 1-based): chr3:41,224,623-41,224,628, TGGTGC deleted; deleting any 6 consecutive bases within chr3:41,224,622-41,224,628 gives the same sequence; the c. name uses the placement nearest the transcript's 3' end. VCF-style (leftmost placement, unchanged base first): chr3-41224621-TCTGGTG-T. GRCh37 (hg19) VCF-style: chr3-41266112-TCTGGTG-T.
Other names: c.111_116del, p.Gly38_Ala39del (NM_001098209.2, NM_001098210.2, NM_001438871.1 and 4 more transcripts); c.90_95del, p.Gly31_Ala32del (NM_001330729.2).
Identifiers: ClinVar variation 4530130 (VCV004530130.1).
Genomic context (GRCh38, chr3:41,224,621, plus strand): 5'-GACAGAAAAGCGGCTGTTAGTCACTGGCAGCAACAGTCTTACCTGGACTCTGGAATCCAT[TCTGGTG>T]CCACTACCACAGCTCCTTCTCTGAGTGGTAAAGGCAATCCTGAGGAAGAGGATGTGGATA-3'